The following is an entry in ClinVar:

NM_000057.4(BLM):c.3502A>T (p.Ile1168Phe)

Gene: BLM (BLM RecQ like helicase; plus strand). Cytogenetic location: 15q26.1.
Variant type: single nucleotide variant.
Coding change: c.3502A>T on transcript NM_000057.4 (MANE Select); coding-DNA position 3502, A replaced by T.
Protein change: p.Ile1168Phe; replaces isoleucine 1168 with phenylalanine.
Molecular consequence: missense variant. On other transcripts: intron variant (1).
Genome position (GRCh38, 1-based): chr15:90,803,664, A>T. VCF-style: chr15-90803664-A-T. GRCh37 (hg19) VCF-style: chr15-91346894-A-T.
Other names: c.3502A>T, p.Ile1168Phe (NM_001287246.2); c.2377A>T, p.Ile793Phe (NM_001287248.2); c.3358+5327A>T (NM_001287247.2); short protein forms I1168F, I793F.
Identifiers: ClinVar variation 1907656 (VCV001907656.6), dbSNP rs2505547543, ClinGen allele CA393847742.

ClinVar aggregate classification (germline): Uncertain significance. Review status: criteria provided, multiple submitters, no conflicts (2 of 4 stars). 2 submissions from 2 submitters: Uncertain significance (2). Last evaluated 2026-07-30.

Conditions:
Hereditary cancer-predisposing syndrome. Also called: Hereditary neoplastic syndrome; Neoplastic Syndromes, Hereditary; Tumor predisposition; Hereditary Cancer Syndrome. Identifiers: Orphanet 140162, MedGen C0027672, MeSH D009386, MONDO:0015356.
Bloom syndrome (BLM). Also called: Bloom-Torre-Machacek syndrome. Identifiers: Orphanet 125, MedGen C0005859, MONDO:0008876, OMIM 210900.

Submissions (2):

Ambry Genetics
Classification: Uncertain significance for Hereditary cancer-predisposing syndrome. Last evaluated: 2026-07-30. Review status: criteria provided, single submitter. Criteria: Ambry Variant Classification Scheme 2023. Collection method: clinical testing. Allele origin: germline.
Comment: The p.I1168F variant (also known as c.3502A>T), located in coding exon 17 of the BLM gene, results from an A to T substitution at nucleotide position 3502. The isoleucine at codon 1168 is replaced by phenylalanine, an amino acid with highly similar properties. This amino acid position is conserved. In addition, this alteration is predicted to be tolerated by in silico analysis. Based on the available evidence, the clinical significance of this variant remains unclear.

Labcorp Genetics (formerly Invitae), Labcorp
Classification: Uncertain significance for Bloom syndrome. Last evaluated: 2022-08-23. Review status: criteria provided, single submitter. Criteria: Invitae Variant Classification Sherloc (09022015). Collection method: clinical testing. Allele origin: germline.
Comment: In summary, the available evidence is currently insufficient to determine the role of this variant in disease. Therefore, it has been classified as a Variant of Uncertain Significance. Algorithms developed to predict the effect of missense changes on protein structure and function are either unavailable or do not agree on the potential impact of this missense change (SIFT: "Tolerated"; PolyPhen-2: "Probably Damaging"; Align-GVGD: "Class C0"). This variant has not been reported in the literature in individuals affected with BLM-related conditions. This variant is not present in population databases (gnomAD no frequency). This sequence change replaces isoleucine, which is neutral and non-polar, with phenylalanine, which is neutral and non-polar, at codon 1168 of the BLM protein (p.Ile1168Phe).